The following is an entry in ClinVar:

NM_017763.6(RNF43):c.1752G>A (p.Arg584=)

Gene: RNF43 (ring finger protein 43; minus strand). Cytogenetic location: 17q22.
Variant type: single nucleotide variant.
Coding change: c.1752G>A on transcript NM_017763.6 (MANE Select); coding-DNA position 1752, G replaced by A.
Protein change: p.Arg584=; no amino-acid change (arginine 584 retained).
Molecular consequence: synonymous variant.
Genome position (GRCh38, 1-based): chr17:58,358,024, C>T on the plus strand (G>A on the coding strand, the complement: RNF43 is on the minus strand). VCF-style: chr17-58358024-C-T. GRCh37 (hg19) VCF-style: chr17-56435385-C-T.
Other names: c.1752G>A, p.Arg584= (NM_001305544.3); c.1371G>A, p.Arg457= (NM_001305545.2).
Identifiers: ClinVar variation 3434516 (VCV003434516.2).
Genomic context (GRCh38, chr17:58,358,024, plus strand): 5'-TGCTGAGTTGGATCTGGTGACTTGCTGATCAGGAGAAGGTGGCTCTGGCTGGGGCTGTGT[C>T]CGAGGAATAGGAGGCCTGGACTGGGGGACTCCGGTTTCTGGGCCAGGCTTCCTGCCATGC-3'
Protein context (NP_060233.3, residues 574-594): GVPQSRPPIP[Arg584=]TQPQPEPPSP

ClinVar aggregate classification (germline): Benign/Likely benign. Review status: criteria provided, multiple submitters, no conflicts (2 of 4 stars). 2 submissions from 2 submitters: Benign (1); Likely benign (1). Last evaluated 2026-07-02.

Conditions:
Sessile serrated polyposis cancer syndrome (SSPCS). Identifiers: Orphanet 157798, MedGen C4310714, MONDO:0014919, OMIM 617108.

Submissions (2):

Myriad Genetics, Inc.
Classification: Benign for Sessile serrated polyposis cancer syndrome. Last evaluated: 2026-07-02. Review status: criteria provided, single submitter. Criteria: Myriad Autosomal Dominant, Autosomal Recessive and X-Linked Classification Criteria (2023). Collection method: clinical testing. Allele origin: unknown.
Comment: This variant is considered benign. This variant is a silent/synonymous amino acid change and it is not expected to impact splicing.

Ambry Genetics
Classification: Likely benign. Last evaluated: 2024-11-25. Review status: criteria provided, single submitter. Criteria: Ambry Variant Classification Scheme 2023. Collection method: clinical testing. Allele origin: germline.